The following is an entry in ClinVar:

ClinVar aggregate classification (germline): Uncertain significance (1 of 4 stars; one submission).

Allele frequency attached by ClinVar (database versions not stated): gnomAD exomes below 0.00001.
gnomAD v4.1: 2 of 1,611,050 alleles (0.00012%); highest among the groups gnomAD compares: Non-Finnish European, 0.00017%; no homozygotes.

Submission:

Labcorp Genetics (formerly Invitae), Labcorp
Classification: Uncertain significance. Last evaluated: 2023-12-07. Review status: criteria provided, single submitter. Criteria: Invitae Variant Classification Sherloc (09022015). Collection method: clinical testing. Allele origin: germline.
Comment: This sequence change replaces aspartic acid, which is acidic and polar, with valine, which is neutral and non-polar, at codon 697 of the GSN protein (p.Asp697Val). This variant is present in population databases (no rsID available, gnomAD 0.0009%). This variant has not been reported in the literature in individuals affected with GSN-related conditions. ClinVar contains an entry for this variant (Variation ID: 1962025). Advanced modeling of protein sequence and biophysical properties (such as structural, functional, and spatial information, amino acid conservation, physicochemical variation, residue mobility, and thermodynamic stability) performed at Invitae indicates that this missense variant is expected to disrupt GSN protein function with a positive predictive value of 80%. In summary, the available evidence is currently insufficient to determine the role of this variant in disease. Therefore, it has been classified as a Variant of Uncertain Significance.

NM_198252.3(GSN):c.1937A>T (p.Asp646Val)

Gene: GSN (gelsolin; plus strand). Cytogenetic location: 9q33.2.
Variant type: single nucleotide variant.
Coding change: c.1937A>T on transcript NM_198252.3 (MANE Select); coding-DNA position 1937, A replaced by T.
Protein change: p.Asp646Val; replaces aspartic acid 646 with valine.
Molecular consequence: missense variant.
Genome position (GRCh38, 1-based): chr9:121,329,287, A>T. VCF-style: chr9-121329287-A-T. GRCh37 (hg19) VCF-style: chr9-124091565-A-T.
Other names: c.2090A>T, p.Asp697Val (NM_000177.5); c.1937A>T, p.Asp646Val (NM_001127662.2, NM_001127664.2, NM_001127665.2 and 10 more transcripts); c.2045A>T, p.Asp682Val (NM_001127663.2); c.1970A>T, p.Asp657Val (NM_001127666.2, NM_001127667.2, NM_001353068.2 and 13 more transcripts); c.1988A>T, p.Asp663Val (NM_001258029.2); c.1961A>T, p.Asp654Val (NM_001258030.2); c.2009A>T, p.Asp670Val (NM_001353076.2); c.1283A>T, p.Asp428Val (NM_001353078.2); short protein forms D657V, D682V, D670V, D697V, D646V, D428V, D654V, D663V.
Identifiers: ClinVar variation 1962025 (VCV001962025.5), dbSNP rs1303548812, ClinGen allele CA374758266.
Genomic context (GRCh38, chr9:121,329,287, plus strand): 5'-TTCCTTCCCAGATCGAAGAGGTTCCTGGTGAGCTCATGCAGGAAGACCTGGCAACGGATG[A>T]CGTCATGCTTCTGGACACCTGGGACCAGGTGGGTGAAGGACAGGTGAAGGCTCTCTGTGC-3'
Protein context (NP_937895.1, residues 636-656): ELMQEDLATD[Asp646Val]VMLLDTWDQV